The following is an entry in ClinVar:

ClinVar aggregate classification (germline): Uncertain significance (1 of 4 stars; one submission).

Allele frequency attached by ClinVar (database versions not stated): TOPMed below 0.00001; gnomAD 0.00001.
gnomAD v4.1: 1 of 1,611,782 alleles (0.000062%); highest among the groups gnomAD compares: Non-Finnish European, 0.000085%; no homozygotes.

Submission:

Ambry Genetics
Classification: Uncertain significance. Last evaluated: 2023-09-15. Review status: criteria provided, single submitter. Criteria: Ambry Variant Classification Scheme 2023. Collection method: clinical testing. Allele origin: germline.
Comment: The p.N397D variant (also known as c.1189A>G), located in coding exon 9 of the RECQL gene, results from an A to G substitution at nucleotide position 1189. The asparagine at codon 397 is replaced by aspartic acid, an amino acid with highly similar properties. This amino acid position is conserved. In addition, the in silico prediction for this alteration is inconclusive. Since supporting evidence is limited at this time, the clinical significance of this alteration remains unclear.

NM_002907.4(RECQL):c.1189A>G (p.Asn397Asp)

Gene: RECQL (RecQ like helicase; minus strand). Cytogenetic location: 12p12.1.
Variant type: single nucleotide variant.
Coding change: c.1189A>G on transcript NM_002907.4 (MANE Select); coding-DNA position 1189, A replaced by G.
Protein change: p.Asn397Asp; replaces asparagine 397 with aspartic acid.
Molecular consequence: missense variant.
Genome position (GRCh38, 1-based): chr12:21,475,495, T>C on the plus strand (A>G on the coding strand, the complement: RECQL is on the minus strand). VCF-style: chr12-21475495-T-C. GRCh37 (hg19) VCF-style: chr12-21628429-T-C.
Other names: c.1189A>G, p.Asn397Asp (NM_032941.3); short protein forms N397D.
Identifiers: ClinVar variation 3222926 (VCV003222926.1), dbSNP rs1943067051, ClinGen allele CA384119361.
Genomic context (GRCh38, chr12:21,475,495, plus strand): 5'-AAAAATTTACTTCTGGATTTGAGTCCTACATACCTGCACGTCCACTCTCTTGGTAATAAT[T>C]TTCCATGGATTTACTCATTGAATGATGGATAACAAACCTCACATCTGGCTTATCAATTCC-3'
Protein context (NP_002898.2, residues 387-407): IHHSMSKSME[Asn397Asp]YYQESGRAGR